The following is an entry in ClinVar:

NC_012920.1(MT-ND6):m.14615G>A

Gene: MT-ND6 (mitochondrially encoded NADH dehydrogenase 6; minus strand).
Variant type: single nucleotide variant.
Genome position: chrM-14615-G-A.
Identifiers: ClinVar variation 693746 (VCV000693746.1), dbSNP rs1603224810, ClinGen allele CA414823283.

ClinVar aggregate classification (germline): Uncertain significance (1 of 4 stars; one submission).

Conditions:
Leigh syndrome (NULS). Also called: Leigh's necrotizing encephalopathy; Leigh's disease; Leigh's syndrome; LEIGH SYNDROME, NUCLEAR; Leigh Syndrome (mtDNA deletion); Leigh Disease. Identifiers: Orphanet 506, MedGen C2931891, MONDO:0009723, OMIM 256000.

Submission:

Wong Mito Lab, Molecular and Human Genetics, Baylor College of Medicine
Classification: Uncertain significance for Leigh syndrome. Last evaluated: 2019-10-17. Review status: criteria provided, single submitter. Criteria: Modified ACMG Guidelines (Unpublished). Collection method: clinical testing. Allele origin: germline.
Comment: The NC_012920.1:m.14615G>A (YP_003024037.1:p.Ser20Phe) variant in MTND6 gene is interpretated to be a Uncertain Significance variant based on the modified ACMG guidelines (unpublished). This variant meets the following evidence codes: BS1